The following is an entry in ClinVar:

NM_001330260.2(SCN8A):c.4003C>T (p.Leu1335Phe)

Gene: SCN8A (sodium voltage-gated channel alpha subunit 8; plus strand). Cytogenetic location: 12q13.13.
Variant type: single nucleotide variant.
Coding change: c.4003C>T on transcript NM_001330260.2 (MANE Select); coding-DNA position 4003, C replaced by T.
Protein change: p.Leu1335Phe; replaces leucine 1335 with phenylalanine.
Molecular consequence: missense variant.
Genome position (GRCh38, 1-based): chr12:51,786,602, C>T. VCF-style: chr12-51786602-C-T. GRCh37 (hg19) VCF-style: chr12-52180386-C-T.
Other names: c.3880C>T, p.Leu1294Phe (NM_001177984.3, NM_001369788.1); c.4003C>T, p.Leu1335Phe (NM_014191.4); c.4003C>T (NM_001330260.1); short protein forms L1294F, L1335F.
Identifiers: ClinVar variation 3906294 (VCV003906294.2).

ClinVar aggregate classification (germline): Uncertain significance (1 of 4 stars; one submission).

Submission:

GeneDx
Classification: Uncertain significance. Last evaluated: 2025-10-01. Review status: criteria provided, single submitter. Criteria: GeneDx Variant Classification Process June 2021. Collection method: clinical testing. Allele origin: germline.
Comment: Not observed at significant frequency in large population cohorts (gnomAD); In silico analysis supports that this missense variant has a deleterious effect on protein structure/function; Has not been previously published as pathogenic or benign to our knowledge; This substitution is predicted to be within the transmembrane segment S5 of the third homologous domain